The following is an entry in ClinVar:

NM_001382.4(DPAGT1):c.681C>G (p.Phe227Leu)

Gene: DPAGT1 (dolichyl-phosphate N-acetylglucosaminephosphotransferase 1; minus strand). Cytogenetic location: 11q23.3.
Variant type: single nucleotide variant.
Coding change: c.681C>G on transcript NM_001382.4 (MANE Select); coding-DNA position 681, C replaced by G.
Protein change: p.Phe227Leu; replaces phenylalanine 227 with leucine.
Molecular consequence: missense variant.
Genome position (GRCh38, 1-based): chr11:119,098,450, G>C on the plus strand (C>G on the coding strand, the complement: DPAGT1 is on the minus strand). VCF-style: chr11-119098450-G-C. GRCh37 (hg19) VCF-style: chr11-118969160-G-C.
Other names: short protein forms F227L.
Identifiers: ClinVar variation 1962781 (VCV001962781.5), dbSNP rs1946438849, ClinGen allele CA382911762.

ClinVar aggregate classification (germline): Uncertain significance (1 of 4 stars; one submission).

Conditions:
Congenital myasthenic syndrome 13 (CMS13). Also called: Myasthenic syndrome, congenital, with tubular aggregates 2; Myasthenic syndrome, congenital, 13, with tubular aggregates. Identifiers: Orphanet 353327, Orphanet 590, MedGen C3553645, MONDO:0013883, OMIM 614750.
DPAGT1-congenital disorder of glycosylation. Also called: DPAGT1-CDG; CDG Ij; CONGENITAL DISORDER OF GLYCOSYLATION, TYPE Ij. Identifiers: Orphanet 86309, MedGen C2931004, MONDO:0011964, OMIM 608093.

Allele frequency attached by ClinVar (database versions not stated): TOPMed below 0.00001.

Submission:

Labcorp Genetics (formerly Invitae), Labcorp
Classification: Uncertain significance for Congenital myasthenic syndrome 13; DPAGT1-congenital disorder of glycosylation. Last evaluated: 2022-04-01. Review status: criteria provided, single submitter. Criteria: Invitae Variant Classification Sherloc (09022015). Collection method: clinical testing. Allele origin: germline.
Comment: In summary, the available evidence is currently insufficient to determine the role of this variant in disease. Therefore, it has been classified as a Variant of Uncertain Significance. Algorithms developed to predict the effect of missense changes on protein structure and function (SIFT, PolyPhen-2, Align-GVGD) all suggest that this variant is likely to be tolerated. This variant has not been reported in the literature in individuals affected with DPAGT1-related conditions. This variant is not present in population databases (gnomAD no frequency). This sequence change replaces phenylalanine, which is neutral and non-polar, with leucine, which is neutral and non-polar, at codon 227 of the DPAGT1 protein (p.Phe227Leu).